The following is an entry in ClinVar:

NM_000264.5(PTCH1):c.3895G>A (p.Gly1299Ser)

Gene: PTCH1 (patched 1; minus strand). Cytogenetic location: 9q22.32.
Variant type: single nucleotide variant.
Coding change: c.3895G>A on transcript NM_000264.5 (MANE Select); coding-DNA position 3895, G replaced by A.
Protein change: p.Gly1299Ser; replaces glycine 1299 with serine.
Molecular consequence: missense variant. On other transcripts: non-coding transcript variant (1).
Genome position (GRCh38, 1-based): chr9:95,447,361, C>T on the plus strand (G>A on the coding strand, the complement: PTCH1 is on the minus strand). VCF-style: chr9-95447361-C-T. GRCh37 (hg19) VCF-style: chr9-98209643-C-T.
Other names: c.3697G>A, p.Gly1233Ser (NM_001083602.3); c.3892G>A, p.Gly1298Ser (NM_001083603.3); c.3442G>A, p.Gly1148Ser (NM_001083604.3, NM_001083605.3, NM_001083606.3 and 1 more transcripts); c.3739G>A, p.Gly1247Ser (NM_001354918.2); short protein forms G1148S, G1233S, G1247S, G1298S, G1299S.
Identifiers: ClinVar variation 2689838 (VCV002689838.3), dbSNP rs2538002296, ClinGen allele CA374110706.

ClinVar aggregate classification (germline): Uncertain significance. Review status: criteria provided, multiple submitters, no conflicts (2 of 4 stars). 2 submissions from 2 submitters: Uncertain significance (2). Last evaluated 2026-03-03.

Conditions:
Hereditary cancer-predisposing syndrome. Also called: Tumor predisposition; Hereditary Cancer Syndrome; Hereditary neoplastic syndrome; Neoplastic Syndromes, Hereditary. Identifiers: Orphanet 140162, MedGen C0027672, MeSH D009386, MONDO:0015356.

Submissions (2):

Ambry Genetics
Classification: Uncertain significance for Hereditary cancer-predisposing syndrome. Last evaluated: 2026-03-03. Review status: criteria provided, single submitter. Criteria: Ambry Variant Classification Scheme 2023. Collection method: clinical testing. Allele origin: germline.
Comment: The p.G1299S variant (also known as c.3895G>A), located in coding exon 23 of the PTCH1 gene, results from a G to A substitution at nucleotide position 3895. The glycine at codon 1299 is replaced by serine, an amino acid with similar properties. This amino acid position is conserved. In addition, this alteration is predicted to be tolerated by in silico analysis. Based on the available evidence, the clinical significance of this variant remains unclear.

Revvity Omics, Revvity
Classification: Uncertain significance. Last evaluated: 2023-11-14. Review status: criteria provided, single submitter. Criteria: ACMG Guidelines, 2015. Collection method: clinical testing. Allele origin: germline.